The following is an entry in ClinVar:

ClinVar aggregate classification (germline): Uncertain significance (1 of 4 stars; one submission).

Submission:

GeneDx
Classification: Uncertain significance. Last evaluated: 2024-05-07. Review status: criteria provided, single submitter. Criteria: GeneDx Variant Classification Process June 2021. Collection method: clinical testing. Allele origin: germline. Affected: yes.
Comment: Not observed at significant frequency in large population cohorts (gnomAD); In silico analysis indicates that this missense variant does not alter protein structure/function; Has not been previously published as pathogenic or benign to our knowledge

NM_006545.5(NPRL2):c.995G>T (p.Arg332Leu)

Gene: NPRL2 (NPR2 like, GATOR1 complex subunit; minus strand). Cytogenetic location: 3p21.31.
Variant type: single nucleotide variant.
Coding change: c.995G>T on transcript NM_006545.5 (MANE Select); coding-DNA position 995, G replaced by T.
Protein change: p.Arg332Leu; replaces arginine 332 with leucine.
Molecular consequence: missense variant.
Genome position (GRCh38, 1-based): chr3:50,347,839, C>A on the plus strand (G>T on the coding strand, the complement: NPRL2 is on the minus strand). VCF-style: chr3-50347839-C-A. GRCh37 (hg19) VCF-style: chr3-50385270-C-A.
Other names: short protein forms R332L.
Identifiers: ClinVar variation 3376109 (VCV003376109.1).